The following is an entry in ClinVar:

ClinVar aggregate classification (germline): Likely benign (1 of 4 stars; one submission).

Submission:

CeGaT Center for Human Genetics Tuebingen
Classification: Likely benign. Last evaluated: 2025-03-01. Review status: criteria provided, single submitter. Criteria: CeGaT Center For Human Genetics Tuebingen Variant Classification Criteria Version 2. Collection method: clinical testing. Allele origin: germline. Affected: yes. Observed: 1 variant allele.
Comment: ACAN: PM2:Supporting, BP4, BP7

NM_001369268.1(ACAN):c.3072C>T (p.Ala1024=)

Gene: ACAN (aggrecan; plus strand). Cytogenetic location: 15q26.1.
Variant type: single nucleotide variant.
Coding change: c.3072C>T on transcript NM_001369268.1 (MANE Select); coding-DNA position 3072, C replaced by T.
Protein change: p.Ala1024=; no amino-acid change (alanine 1024 retained).
Molecular consequence: synonymous variant.
Genome position (GRCh38, 1-based): chr15:88,855,657, C>T. VCF-style: chr15-88855657-C-T. GRCh37 (hg19) VCF-style: chr15-89398888-C-T.
Other names: c.3072C>T, p.Ala1024= (NM_001135.4, NM_001411096.1, NM_001411097.1 and 1 more transcripts).
Identifiers: ClinVar variation 3777933 (VCV003777933.7).
Genomic context (GRCh38, chr15:88,855,657, plus strand): 5'-TGCCCCTGGAGTAGAGGACATCAGCGGGCTTCCTTCTGGAGAAGTTCTAGAGACCACTGC[C>T]CCTGGAGTAGAGGACATCAGCGGGCTTCCTTCTGGAGAAGTTCTAGAGACCACTGCCCCT-3'
Protein context (NP_001356197.1, residues 1014-1034): LPSGEVLETT[Ala1024=]PGVEDISGLP